The following is an entry in ClinVar:

ClinVar aggregate classification (germline): Likely benign. Review status: criteria provided, multiple submitters, no conflicts (2 of 4 stars). 2 submissions from 2 submitters: Likely benign (2). Last evaluated 2026-03-01.

Allele frequency attached by ClinVar (database versions not stated): gnomAD exomes 0.00001 and 0.00005; ExAC 0.00007; gnomAD 0.00009; TOPMed 0.00009; ESP Exome Variant Server 0.00017; 1000 Genomes Project 30x 0.00047; 1000 Genomes Project 0.00060.
gnomAD v4.1: 35 of 1,614,014 alleles (0.0022%); highest among the groups gnomAD compares: African/African-American, 0.039%; no homozygotes.

Submissions (2):

CeGaT Center for Human Genetics Tuebingen
Classification: Likely benign. Last evaluated: 2026-03-01. Review status: criteria provided, single submitter. Criteria: CeGaT Center For Human Genetics Tuebingen Variant Classification Criteria Version 2. Collection method: clinical testing. Allele origin: germline. Affected: yes. Observed: 1 variant allele.
Comment: CEP152: BP4, BP7

Labcorp Genetics (formerly Invitae), Labcorp
Classification: Likely benign. Last evaluated: 2024-06-21. Review status: criteria provided, single submitter. Criteria: Invitae Variant Classification Sherloc (09022015). Collection method: clinical testing. Allele origin: germline.

NM_001194998.2(CEP152):c.651A>G (p.Thr217=)

Gene: CEP152 (centrosomal protein 152; minus strand). Cytogenetic location: 15q21.1.
Variant type: single nucleotide variant.
Coding change: c.651A>G on transcript NM_001194998.2 (MANE Select); coding-DNA position 651, A replaced by G.
Protein change: p.Thr217=; no amino-acid change (threonine 217 retained).
Molecular consequence: synonymous variant.
Genome position (GRCh38, 1-based): chr15:48,796,050, T>C on the plus strand (A>G on the coding strand, the complement: CEP152 is on the minus strand). VCF-style: chr15-48796050-T-C. GRCh37 (hg19) VCF-style: chr15-49088247-T-C.
Other names: c.651A>G, p.Thr217= (NM_014985.4).
Identifiers: ClinVar variation 1624454 (VCV001624454.12), dbSNP rs372438275, ClinGen allele CA7549072.